The following is an entry in ClinVar:

NM_016284.5(CNOT1):c.5749dup (p.Gln1917fs)

Gene: CNOT1 (CCR4-NOT transcription complex subunit 1; minus strand). Cytogenetic location: 16q21.
Variant type: Duplication.
Coding change: c.5749dup on transcript NM_016284.5 (MANE Select); coding-DNA position 5749, one base duplicated (C; older notation c.5749dupC).
Protein change: p.Gln1917fs; shifts the reading frame from glutamine 1917.
Molecular consequence: frameshift variant. On other transcripts: non-coding transcript variant (1).
Genome position (GRCh38, 1-based): chr16:58,534,293, G duplicated on the plus strand (C on the coding strand, the reverse complement: CNOT1 is on the minus strand). VCF-style (leftmost placement, unchanged base first): chr16-58534292-T-TG. GRCh37 (hg19) VCF-style: chr16-58568196-T-TG.
Other names: c.5734dup, p.Gln1912fs (NM_001265612.2); short protein forms Q1912fs, Q1917fs.
Identifiers: ClinVar variation 4230903 (VCV004230903.1).

ClinVar aggregate classification (germline): Pathogenic (1 of 4 stars; one submission).

Conditions:
Inborn genetic diseases. Identifiers: MedGen C0950123, MeSH D030342.

Submission:

Ambry Genetics
Classification: Pathogenic for Inborn genetic diseases. Last evaluated: 2025-06-24. Review status: criteria provided, single submitter. Criteria: Ambry Variant Classification Scheme 2023. Collection method: clinical testing. Allele origin: germline.
Comment: The c.5749dupC (p.Q1917Pfs*45) alteration, located in exon 40 (coding exon 39) of the CNOT1 gene, consists of a duplication of C at position 5749, causing a translational frameshift with a predicted alternate stop codon after 45 amino acids. This alteration is expected to result in loss of function by premature protein truncation or nonsense-mediated mRNA decay. This variant was not reported in population-based cohorts in the Genome Aggregation Database (gnomAD). Based on the available evidence, this alteration is classified as pathogenic.